The following is an entry in ClinVar:

ClinVar aggregate classification (germline): Likely benign. Review status: criteria provided, single submitter (1 of 4 stars). 2 submissions from 2 submitters: Likely benign (1). 1 of the submissions does not count toward it. Last evaluated 2023-06-05.

Conditions:
LAMC2-related disorder. Also called: LAMC2-related condition.

Submissions (2):

Labcorp Genetics (formerly Invitae), Labcorp
Classification: Likely benign. Last evaluated: 2023-06-05. Review status: criteria provided, single submitter. Criteria: Invitae Variant Classification Sherloc (09022015). Collection method: clinical testing. Allele origin: germline.

PreventionGenetics, part of Exact Sciences
Classification: Likely benign for LAMC2-related condition. Last evaluated: 2019-09-19. Review status: no assertion criteria provided. Collection method: clinical testing. Allele origin: germline. Not counted in ClinVar's aggregate classification.
Comment: This variant is classified as likely benign based on ACMG/AMP sequence variant interpretation guidelines (Richards et al. 2015 PMID: 25741868, with internal and published modifications).

NM_005562.3(LAMC2):c.1266G>A (p.Gly422=)

Gene: LAMC2 (laminin subunit gamma 2; plus strand). Cytogenetic location: 1q25.3.
Variant type: single nucleotide variant.
Coding change: c.1266G>A on transcript NM_005562.3 (MANE Select); coding-DNA position 1266, G replaced by A.
Protein change: p.Gly422=; no amino-acid change (glycine 422 retained).
Molecular consequence: synonymous variant.
Genome position (GRCh38, 1-based): chr1:183,226,897, G>A. VCF-style: chr1-183226897-G-A. GRCh37 (hg19) VCF-style: chr1-183196032-G-A.
Other names: c.1266G>A, p.Gly422= (NM_018891.3); c.1266G>A (NM_005562.2).
Identifiers: ClinVar variation 2771236 (VCV002771236.5), dbSNP rs2526061124, ClinGen allele CA422118040.